The following is an entry in ClinVar:

ClinVar aggregate classification (germline): Benign. Review status: criteria provided, multiple submitters, no conflicts (2 of 4 stars). 6 submissions from 6 submitters: Benign (6). Last evaluated 2026-02-02.

Conditions:
Retinal dystrophy. Also called: Inherited retinal dystrophy. Identifiers: Orphanet 71862, MedGen C0854723, MeSH D058499, MONDO:0019118, HP:0000556.
Retinitis pigmentosa 66 (RP66). Identifiers: Orphanet 791, MedGen C3715216, MONDO:0014093, OMIM 615233.
Retinitis pigmentosa (RP). Identifiers: Orphanet 791, MedGen C0035334, MeSH D012174, MONDO:0019200, OMIM 268000. Inheritance: Autosomal dominant, autosomal recessive and X linked inheritance.

Allele frequency attached by ClinVar (database versions not stated): 1000 Genomes Project 30x 0.13289; ESP Exome Variant Server 0.13694; TOPMed 0.12815; 1000 Genomes Project 0.12879.

Submissions (6):

Labcorp Genetics (formerly Invitae), Labcorp
Classification: Benign. Last evaluated: 2026-02-02. Review status: criteria provided, single submitter. Criteria: Invitae Variant Classification Sherloc (09022015). Collection method: clinical testing. Allele origin: germline.

Dept Of Ophthalmology, Nagoya University
Classification: Benign for Retinal dystrophy. Last evaluated: 2023-10-01. Review status: criteria provided, single submitter. Criteria: Submitter's publication. Collection method: research. Allele origin: germline. Affected: yes.

Genome-Nilou Lab
Classification: Benign for Retinitis pigmentosa 66. Last evaluated: 2021-11-07. Review status: criteria provided, single submitter. Criteria: ACMG Guidelines, 2015. Collection method: clinical testing. Allele origin: germline. Affected: no.

Illumina Laboratory Services, Illumina
Classification: Benign for Retinitis pigmentosa. Last evaluated: 2018-01-13. Review status: criteria provided, single submitter. Criteria: ICSL Variant Classification Criteria 13 December 2019. Collection method: clinical testing. Allele origin: germline.
Comment: This variant was observed in the ICSL laboratory as part of a predisposition screen in an ostensibly healthy population. It had not been previously curated by ICSL or reported in the Human Gene Mutation Database (HGMD: prior to June 1st, 2018), and was therefore a candidate for classification through an automated scoring system. Utilizing variant allele frequency, disease prevalence and penetrance estimates, and inheritance mode, an automated score was calculated to assess if this variant is too frequent to cause the disease. Based on the score and internal cut-off values, a variant classified as benign is not then subjected to further curation. The score for this variant resulted in a classification of benign for this disease.

Eurofins Ntd Llc (ga)
Classification: Benign. Last evaluated: 2014-08-25. Review status: criteria provided, single submitter. Criteria: EGL Classification Definitions 2015. Collection method: clinical testing. Allele origin: germline. Observed: 1 variant allele, 1 heterozygote.

Breakthrough Genomics
Classification: Benign. Review status: criteria provided, single submitter. Criteria: ACMG Guidelines, 2015. Collection method: not provided. Allele origin: germline. Inheritance: Autosomal recessive inheritance. Affected: yes.

NM_002900.3(RBP3):c.837G>A (p.Thr279=)

Gene: RBP3 (retinol binding protein 3; plus strand). Cytogenetic location: 10q11.22.
Variant type: single nucleotide variant.
Coding change: c.837G>A on transcript NM_002900.3 (MANE Select); coding-DNA position 837, G replaced by A.
Protein change: p.Thr279=; no amino-acid change (threonine 279 retained).
Molecular consequence: synonymous variant.
Genome position (GRCh38, 1-based): chr10:47,349,321, G>A. VCF-style: chr10-47349321-G-A. GRCh37 (hg19) VCF-style: chr10-48390041-C-T.
Identifiers: ClinVar variation 193239 (VCV000193239.21), dbSNP rs2376635, ClinGen allele CA200433.
Genomic context (GRCh38, chr10:47,349,321, plus strand): 5'-TGGGGGAGGGGCCCTGGACCTCCGGAAGCTGAGGATAGGCGAGTCTGACTTCTTCTTCAC[G>A]GTGCCCGTGTCCAGGTCCCTGGGGCCCCTTGGTGGAGGCAGCCAGACGTGGGAGGGCAGC-3'
Protein context (NP_002891.1, residues 269-289): LRIGESDFFF[Thr279=]VPVSRSLGPL